The following is an entry in ClinVar:

ClinVar aggregate classification (germline): Uncertain significance (1 of 4 stars; one submission).

Conditions:
Immunodeficiency. Identifiers: MedGen C0021051, MONDO:0021094, HP:0002721.

Submission:

Labcorp Genetics (formerly Invitae), Labcorp
Classification: Uncertain significance for Immunodeficiency. Last evaluated: 2023-01-16. Review status: criteria provided, single submitter. Criteria: Invitae Variant Classification Sherloc (09022015). Collection method: clinical testing. Allele origin: germline.
Comment: This sequence change replaces methionine, which is neutral and non-polar, with threonine, which is neutral and polar, at codon 1317 of the NFAT5 protein (p.Met1317Thr). This variant is not present in population databases (gnomAD no frequency). This variant has not been reported in the literature in individuals affected with NFAT5-related conditions. Algorithms developed to predict the effect of missense changes on protein structure and function are either unavailable or do not agree on the potential impact of this missense change (SIFT: "Deleterious"; PolyPhen-2: "Benign"; Align-GVGD: "Class C25"). In summary, the available evidence is currently insufficient to determine the role of this variant in disease. Therefore, it has been classified as a Variant of Uncertain Significance.

NM_138713.4(NFAT5):c.4232T>C (p.Met1411Thr)

Gene: NFAT5 (nuclear factor of activated T cells 5; plus strand). Cytogenetic location: 16q22.1.
Variant type: single nucleotide variant.
Coding change: c.4232T>C on transcript NM_138713.4 (MANE Select); coding-DNA position 4232, T replaced by C.
Protein change: p.Met1411Thr; replaces methionine 1411 with threonine.
Molecular consequence: missense variant.
Genome position (GRCh38, 1-based): chr16:69,694,057, T>C. VCF-style: chr16-69694057-T-C. GRCh37 (hg19) VCF-style: chr16-69727960-T-C.
Other names: c.4229T>C, p.Met1410Thr (NM_001113178.3); c.3557T>C, p.Met1186Thr (NM_001367709.1); c.4178T>C, p.Met1393Thr (NM_006599.4); c.3950T>C, p.Met1317Thr (NM_138714.4, NM_173214.3, NM_173215.3); short protein forms M1410T, M1393T, M1411T, M1186T, M1317T.
Identifiers: ClinVar variation 2777508 (VCV002777508.3), dbSNP rs1597576381, ClinGen allele CA396515302.
Genomic context (GRCh38, chr16:69,694,057, plus strand): 5'-CTCTCTTCTTATCTCCAGCATCCATGTCTGCCTTGCAGACCAGTATAAATCAACAAGATA[T>C]GCAACAGTCTCCTCTTTATTCCCCTCAGAACAACATGCCTGGAATTCAAGGAGCCACATC-3'
Protein context (NP_619727.2, residues 1401-1421): ALQTSINQQD[Met1411Thr]QQSPLYSPQN